The following is an entry in ClinVar:

ClinVar aggregate classification (germline): Likely pathogenic (1 of 4 stars; one submission).

Conditions:
Houge-Janssens syndrome 2. Also called: INTELLECTUAL DEVELOPMENTAL DISORDER, AUTOSOMAL DOMINANT 36; Microcephaly-corpus callosum hypoplasia-intellectual disability-facial dysmorphism syndrome; PPP2R1A-Related Neurodevelopmental Disorder. Identifiers: Orphanet 457284, MedGen C4225352, MONDO:0014605, OMIM 616362.

Submission:

Institute of Human Genetics, University of Leipzig Medical Center
Classification: Likely pathogenic for Houge-Janssens syndrome 2. Last evaluated: 2023-01-23. Review status: criteria provided, single submitter. Criteria: ACMG Guidelines, 2015. Collection method: clinical testing. Allele origin: unknown. Affected: yes.
Comment: _x000D_ Criteria applied: PM5_STR, PM1, PM2_SUP

NM_014225.6(PPP2R1A):c.532A>G (p.Thr178Ala)

Gene: PPP2R1A (protein phosphatase 2 scaffold subunit Aalpha; plus strand). Cytogenetic location: 19q13.41.
Variant type: single nucleotide variant.
Coding change: c.532A>G on transcript NM_014225.6 (MANE Select); coding-DNA position 532, A replaced by G.
Protein change: p.Thr178Ala; replaces threonine 178 with alanine.
Molecular consequence: missense variant. On other transcripts: 5 prime UTR variant (1), non-coding transcript variant (1).
Genome position (GRCh38, 1-based): chr19:52,212,714, A>G. VCF-style: chr19-52212714-A-G. GRCh37 (hg19) VCF-style: chr19-52715967-A-G.
Other names: c.-6A>G (NM_001363656.2); short protein forms T178A.
Identifiers: ClinVar variation 2430276 (VCV002430276.1), dbSNP rs1600167934, ClinGen allele CA407183496.